The following is an entry in ClinVar:

ClinVar aggregate classification (germline): Uncertain significance (1 of 4 stars; one submission).

Conditions:
KMT2D-related disorder. Also called: KMT2D-Related Disorders.

Submission:

PreventionGenetics, part of Exact Sciences
Classification: Uncertain significance for KMT2D-related condition. Last evaluated: 2023-08-16. Review status: criteria provided, single submitter. Criteria: ACMG Guidelines, 2015. Collection method: clinical testing. Allele origin: germline.
Comment: The KMT2D c.12583G>A variant is predicted to result in the amino acid substitution p.Gly4195Ser. To our knowledge, this variant has not been reported in the literature or in a large population database, indicating this variant is rare. At this time, the clinical significance of this variant is uncertain due to the absence of conclusive functional and genetic evidence.

NM_003482.4(KMT2D):c.12583G>A (p.Gly4195Ser)

Gene: KMT2D (lysine methyltransferase 2D; minus strand). Cytogenetic location: 12q13.12.
Variant type: single nucleotide variant.
Coding change: c.12583G>A on transcript NM_003482.4 (MANE Select); coding-DNA position 12583, G replaced by A.
Protein change: p.Gly4195Ser; replaces glycine 4195 with serine.
Molecular consequence: missense variant.
Genome position (GRCh38, 1-based): chr12:49,032,122, C>T on the plus strand (G>A on the coding strand, the complement: KMT2D is on the minus strand). VCF-style: chr12-49032122-C-T. GRCh37 (hg19) VCF-style: chr12-49425905-C-T.
Other names: short protein forms G4195S.
Identifiers: ClinVar variation 2631673 (VCV002631673.1), dbSNP rs2498355880, ClinGen allele CA384710688.